The following is an entry in ClinVar:

NM_004482.4(GALNT3):c.799G>T (p.Val267Phe)

Gene: GALNT3 (polypeptide N-acetylgalactosaminyltransferase 3; minus strand). Cytogenetic location: 2q24.3.
Variant type: single nucleotide variant.
Coding change: c.799G>T on transcript NM_004482.4 (MANE Select); coding-DNA position 799, G replaced by T.
Protein change: p.Val267Phe; replaces valine 267 with phenylalanine.
Molecular consequence: missense variant.
Genome position (GRCh38, 1-based): chr2:165,761,944, C>A on the plus strand (G>T on the coding strand, the complement: GALNT3 is on the minus strand). VCF-style: chr2-165761944-C-A. GRCh37 (hg19) VCF-style: chr2-166618454-C-A.
Other names: p.Val267Phe; short protein forms V267F.
Identifiers: ClinVar variation 893219 (VCV000893219.14), dbSNP rs114933655, ClinGen allele CA1941124.

ClinVar aggregate classification (germline): Benign. Review status: criteria provided, multiple submitters, no conflicts (2 of 4 stars). 4 submissions from 4 submitters: Benign (4). Last evaluated 2026-02-01.

Conditions:
Tumoral calcinosis, hyperphosphatemic, familial, 1. Also called: CALCINOSIS, TUMORAL, WITH HYPERPHOSPHATEMIA; LIPOCALCINOGRANULOMATOSIS; MORBUS TEUTSCHLAENDER; HYPEROSTOSIS WITH HYPERPHOSPHATEMIA; HYPEROSTOSIS-HYPERPHOSPHATEMIA SYNDROME; CORTICAL HYPEROSTOSIS WITH HYPERPHOSPHATEMIA. Identifiers: Orphanet 53715, MedGen C4692564, MONDO:0100252, OMIM 211900.

Allele frequency attached by ClinVar (database versions not stated): gnomAD exomes 0.00116 and 0.00283; ExAC 0.00333; gnomAD 0.01049 and 0.01135; ESP Exome Variant Server 0.01130; 1000 Genomes Project 0.01198; TOPMed 0.01234; 1000 Genomes Project 30x 0.01280.

Submissions (4):

Labcorp Genetics (formerly Invitae), Labcorp
Classification: Benign. Last evaluated: 2026-02-01. Review status: criteria provided, single submitter. Criteria: Invitae Variant Classification Sherloc (09022015). Collection method: clinical testing. Allele origin: germline.

Mayo Clinic Laboratories, Mayo Clinic
Classification: Benign. Last evaluated: 2025-08-22. Review status: criteria provided, single submitter. Criteria: ACMG Guidelines, 2015. Collection method: clinical testing. Allele origin: germline. Observed: 1 variant allele.
Comment: BS1, BS2, BP4_moderate

Illumina Laboratory Services, Illumina
Classification: Benign for Tumoral calcinosis, hyperphosphatemic, familial, 1. Last evaluated: 2018-01-12. Review status: criteria provided, single submitter. Criteria: ICSL Variant Classification Criteria 13 December 2019. Collection method: clinical testing. Allele origin: germline.
Comment: This variant was observed in the ICSL laboratory as part of a predisposition screen in an ostensibly healthy population. It had not been previously curated by ICSL or reported in the Human Gene Mutation Database (HGMD: prior to June 1st, 2018), and was therefore a candidate for classification through an automated scoring system. Utilizing variant allele frequency, disease prevalence and penetrance estimates, and inheritance mode, an automated score was calculated to assess if this variant is too frequent to cause the disease. Based on the score and internal cut-off values, a variant classified as benign is not then subjected to further curation. The score for this variant resulted in a classification of benign for this disease.

Breakthrough Genomics
Classification: Benign. Review status: criteria provided, single submitter. Criteria: ACMG Guidelines, 2015. Collection method: not provided. Allele origin: germline. Inheritance: Autosomal recessive inheritance. Affected: yes.